The following is an entry in ClinVar:

ClinVar aggregate classification (germline): Pathogenic (1 of 4 stars; one submission).

Conditions:
MEGF10-related myopathy (CMYO10A). Also called: Congenital myopathy 10A, severe variant. Identifiers: Orphanet 439212, MedGen C3280679, MONDO:0013731, OMIM 614399.

Allele frequency attached by ClinVar (database versions not stated): gnomAD exomes below 0.00001.
gnomAD v4.1: 6 of 1,612,624 alleles (0.00037%); highest among the groups gnomAD compares: Middle Eastern, 0.017%; no homozygotes.

Submission:

Labcorp Genetics (formerly Invitae), Labcorp
Classification: Pathogenic for MEGF10-related myopathy. Last evaluated: 2025-11-08. Review status: criteria provided, single submitter. Criteria: Invitae Variant Classification Sherloc (09022015). Collection method: clinical testing. Allele origin: germline.
Comment: This sequence change creates a premature translational stop signal (p.Arg81*) in the MEGF10 gene. It is expected to result in an absent or disrupted protein product. Loss-of-function variants in MEGF10 are known to be pathogenic (PMID: 22101682, 22371254, 23453856, 23954233). This variant is present in population databases (no rsID available, gnomAD 0.003%). This premature translational stop signal has been observed in individual(s) with clinical features of MEGF10-related conditions (PMID: 31127727). ClinVar contains an entry for this variant (Variation ID: 2173107). For these reasons, this variant has been classified as Pathogenic.

Literature cited by the submitters: PubMed 22101682; PubMed 22371254; PubMed 23453856; PubMed 23954233; PubMed 31127727.

NM_001256545.2(MEGF10):c.241C>T (p.Arg81Ter)

Gene: MEGF10 (multiple EGF like domains 10; plus strand). Cytogenetic location: 5q23.2.
Variant type: single nucleotide variant.
Coding change: c.241C>T on transcript NM_001256545.2 (MANE Select); coding-DNA position 241, C replaced by T.
Protein change: p.Arg81Ter; replaces arginine 81 with a stop codon.
Molecular consequence: nonsense.
Genome position (GRCh38, 1-based): chr5:127,340,552, C>T. VCF-style: chr5-127340552-C-T. GRCh37 (hg19) VCF-style: chr5-126676244-C-T.
Other names: c.241C>T, p.Arg81Ter (NM_001308119.2, NM_001308121.2, NM_032446.3); short protein forms R81*.
Identifiers: ClinVar variation 2173107 (VCV002173107.4), dbSNP rs1279221790, ClinGen allele CA360822878.